The following is an entry in ClinVar:

ClinVar aggregate classification (germline): Uncertain significance. Review status: criteria provided, multiple submitters, no conflicts (2 of 4 stars). 3 submissions from 3 submitters: Uncertain significance (3). Last evaluated 2024-04-18.

Conditions:
Epidermolysis bullosa simplex 5C, with pyloric atresia (EBS5C). Also called: Epidermolysis bullosa simplex with pyloric atresia; PLEC-Related Epidermolysis Bullosa with Pyloric Atresia; PLEC1-Related Epidermolysis Bullosa with Pyloric Atresia. Identifiers: Orphanet 158684, MedGen C2677349, MONDO:0012807, OMIM 612138.
Autosomal recessive limb-girdle muscular dystrophy type 2Q (LGMDR17). Also called: MUSCULAR DYSTROPHY, LIMB-GIRDLE, AUTOSOMAL RECESSIVE 17. Identifiers: Orphanet 254361, MedGen C3150989, MONDO:0013390, OMIM 613723.
Epidermolysis bullosa simplex, Ogna type (EBS5A). Also called: Pidermolysis bullosa simplex 5A, Ogna type; EPIDERMOLYSIS BULLOSA SIMPLEX 5A, OGNA TYPE. Identifiers: Orphanet 79401, MedGen C0432317, MONDO:0007555, OMIM 131950.
Epidermolysis bullosa simplex 5B, with muscular dystrophy (EBS5B). Also called: Epidermolysis bullosa simplex with muscular dystrophy; EPIDERMOLYSIS BULLOSA SIMPLEX AND LIMB-GIRDLE MUSCULAR DYSTROPHY. Identifiers: Orphanet 257, MedGen C2931072, MONDO:0009181, OMIM 226670.
Epidermolysis bullosa simplex with nail dystrophy (EBS5D). Identifiers: MedGen C4225309, MONDO:0014661, OMIM 616487.
Inborn genetic diseases. Identifiers: MedGen C0950123, MeSH D030342.

Allele frequency attached by ClinVar (database versions not stated): gnomAD exomes below 0.00001.
gnomAD v4.1: 4 of 1,612,190 alleles (0.00025%); highest among the groups gnomAD compares: Non-Finnish European, 0.00025%; no homozygotes.

Submissions (3):

Labcorp Genetics (formerly Invitae), Labcorp
Classification: Uncertain significance for Autosomal recessive limb-girdle muscular dystrophy type 2Q; Epidermolysis bullosa simplex, Ogna type; Epidermolysis bullosa simplex with nail dystrophy; Epidermolysis bullosa simplex 5C, with pyloric atresia; Epidermolysis bullosa simplex 5B, with muscular dystrophy. Last evaluated: 2024-04-18. Review status: criteria provided, single submitter. Criteria: Invitae Variant Classification Sherloc (09022015). Collection method: clinical testing. Allele origin: germline.
Comment: This sequence change replaces glycine, which is neutral and non-polar, with aspartic acid, which is acidic and polar, at codon 456 of the PLEC protein (p.Gly456Asp). This variant is not present in population databases (gnomAD no frequency). This variant has not been reported in the literature in individuals affected with PLEC-related conditions. ClinVar contains an entry for this variant (Variation ID: 289656). Advanced modeling of protein sequence and biophysical properties (such as structural, functional, and spatial information, amino acid conservation, physicochemical variation, residue mobility, and thermodynamic stability) has been performed at Invitae for this missense variant, however the output from this modeling did not meet the statistical confidence thresholds required to predict the impact of this variant on PLEC protein function. In summary, the available evidence is currently insufficient to determine the role of this variant in disease. Therefore, it has been classified as a Variant of Uncertain Significance.

Ambry Genetics
Classification: Uncertain significance for Inborn genetic diseases. Last evaluated: 2023-12-21. Review status: criteria provided, single submitter. Criteria: Ambry Variant Classification Scheme 2023. Collection method: clinical testing. Allele origin: germline.

Eurofins Ntd Llc (ga)
Classification: Uncertain significance. Last evaluated: 2016-08-16. Review status: criteria provided, single submitter. Criteria: EGL Classification Definitions 2015. Collection method: clinical testing. Allele origin: germline. Observed: 1 variant allele, 1 heterozygote.

NM_201384.3(PLEC):c.1286G>A (p.Gly429Asp)

Gene: PLEC (plectin; minus strand). Cytogenetic location: 8q24.3.
Variant type: single nucleotide variant.
Coding change: c.1286G>A on transcript NM_201384.3 (MANE Select); coding-DNA position 1286, G replaced by A.
Protein change: p.Gly429Asp; replaces glycine 429 with aspartic acid.
Molecular consequence: missense variant.
Genome position (GRCh38, 1-based): chr8:143,933,329, C>T on the plus strand (G>A on the coding strand, the complement: PLEC is on the minus strand). VCF-style: chr8-143933329-C-T. GRCh37 (hg19) VCF-style: chr8-145007497-C-T.
Other names: c.1367G>A, p.Gly456Asp (NM_000445.5); c.1244G>A, p.Gly415Asp (NM_201378.4); c.1220G>A, p.Gly407Asp (NM_201379.3); c.1697G>A, p.Gly566Asp (NM_201380.4); c.1190G>A, p.Gly397Asp (NM_201381.3); c.1286G>A, p.Gly429Asp (NM_201382.4); c.1298G>A, p.Gly433Asp (NM_201383.3); c.1367G>A (NM_000445.3); short protein forms G407D, G456D, G397D, G415D, G429D, G433D, G566D.
Identifiers: ClinVar variation 289656 (VCV000289656.11), dbSNP rs886044893, ClinGen allele CA10606512.
Genomic context (GRCh38, chr8:143,933,329, plus strand): 5'-ATCATGCTATCCGCCTTGTCCAAGTCCCGTTCCACCTCCCCCGCCCGCTGTGGCACTTTG[C>T]CTGCAGCCAGCAGCCGGACATCCTGCAAGGTCGTTGCCATGACTCGGAGCACAGCTGATC-3'
Protein context (NP_958786.1, residues 419-439): LQSDVRLLAA[Gly429Asp]KVPQRAGEVE